The following is an entry in ClinVar:

ClinVar aggregate classification (germline): Benign/Likely benign. Review status: criteria provided, multiple submitters, no conflicts (2 of 4 stars). 3 submissions from 3 submitters: Benign (1); Likely benign (2). Last evaluated 2025-12-01.

Conditions:
Periventricular nodular heterotopia 7 (PVNH7). Identifiers: MedGen C4310669, MONDO:0014966, OMIM 617201.

Allele frequency attached by ClinVar (database versions not stated): gnomAD exomes 0.00003 and 0.00007; ExAC 0.00008; ESP Exome Variant Server 0.00034; gnomAD 0.00038; TOPMed 0.00039; 1000 Genomes Project 0.00120; 1000 Genomes Project 30x 0.00141.

Submissions (3):

Labcorp Genetics (formerly Invitae), Labcorp
Classification: Likely benign. Last evaluated: 2025-12-01. Review status: criteria provided, single submitter. Criteria: Invitae Variant Classification Sherloc (09022015). Collection method: clinical testing. Allele origin: germline.

ARUP Laboratories, Molecular Genetics and Genomics, ARUP Laboratories
Classification: Likely benign for Periventricular nodular heterotopia 7. Last evaluated: 2024-01-17. Review status: criteria provided, single submitter. Criteria: ARUP Molecular Germline Variant Investigation Process 2024. Collection method: clinical testing. Allele origin: germline.

GeneDx
Classification: Benign. Last evaluated: 2021-04-07. Review status: criteria provided, single submitter. Criteria: GeneDx Variant Classification Process June 2021. Collection method: clinical testing. Allele origin: germline. Affected: yes.
Comment: Has not been previously published as pathogenic or benign to our knowledge

NM_001144967.3(NEDD4L):c.777_782dup (p.260_261EP[3])

Gene: NEDD4L (NEDD4 like E3 ubiquitin protein ligase; plus strand). Cytogenetic location: 18q21.31.
Variant type: Duplication.
Coding change: c.777_782dup on transcript NM_001144967.3 (MANE Select); coding-DNA positions 777 to 782, 6 bases duplicated (GGAGCC; older notation c.777_782dupGGAGCC).
Protein change: p.260_261EP[3].
Molecular consequence: inframe insertion.
Genome position (GRCh38, 1-based): chr18:58,329,091-58,329,096, GGAGCC duplicated. VCF-style (leftmost placement, unchanged base first): chr18-58329090-T-TGGAGCC. GRCh37 (hg19) VCF-style: chr18-55996322-T-TGGAGCC.
Other names: c.414_419dup, p.139_140EP[3] (NM_001144964.1, NM_001144965.2, NM_001144966.3 and 2 more transcripts); c.753_758dup, p.252_253EP[3] (NM_001144968.2, NM_001144969.2); c.777_782dup, p.260_261EP[3] (NM_001243960.2, NM_015277.6); c.777_782dup (NM_015277.5).
Identifiers: ClinVar variation 412005 (VCV000412005.14), dbSNP rs539430057, ClinGen allele CA8975461.